The following is an entry in ClinVar:

ClinVar aggregate classification (germline): Likely benign. Review status: criteria provided, multiple submitters, no conflicts (2 of 4 stars). 2 submissions from 2 submitters: Likely benign (2). Last evaluated 2025-01-09.

Conditions:
Familial hypobetalipoproteinemia 1. Also called: Hypobetalipoproteinemia, normotriglyceridemic; Acanthocytosis with hypobetalipoproteinemia; APOB-Related Familial Hypobetalipoproteinemia. Identifiers: MedGen C4551990, MONDO:0014252, OMIM 615558.
Hypercholesterolemia, autosomal dominant, type B (FHCL2). Also called: Familial hypercholesterolemia 2; Familial Hypercholesterolemia Type B; APOLIPOPROTEIN B-100, FAMILIAL DEFECTIVE; APOLIPOPROTEIN B-100, FAMILIAL LIGAND-DEFECTIVE; HYPERCHOLESTEROLEMIA, FAMILIAL, DUE TO LIGAND-DEFECTIVE APOLIPOPROTEIN B; Hyperlipoproteinemia Type IIb. Identifiers: MedGen C1704417, MONDO:0007751, OMIM 144010.
Familial hypercholesterolemia. Also called: Familial hypercholesterolemias; Familial hypercholesterolaemia. Identifiers: MedGen C0020445, MONDO:0005439.

gnomAD v4.1: 4 of 1,614,166 alleles (0.00025%); highest among the groups gnomAD compares: Non-Finnish European, 0.00034%; no homozygotes.

Submissions (2):

GENinCode PLC
Classification: Likely benign for Familial hypercholesterolemia. Last evaluated: 2025-01-09. Review status: criteria provided, single submitter. Criteria: ACMG Guidelines, 2015. Collection method: clinical testing. Allele origin: germline.
Comment: This is a synonymous (silent) variant that is not predicted to impact splicing and occurs at a nucleotide which is not highly conserved. This variant has been classified as Likely Benign (BP4, BP7).

Labcorp Genetics (formerly Invitae), Labcorp
Classification: Likely benign for Familial hypobetalipoproteinemia 1; Hypercholesterolemia, autosomal dominant, type B. Last evaluated: 2024-02-12. Review status: criteria provided, single submitter. Criteria: Invitae Variant Classification Sherloc (09022015). Collection method: clinical testing. Allele origin: germline.

NM_000384.3(APOB):c.1242G>A (p.Leu414=)

Gene: APOB (apolipoprotein B; minus strand). Cytogenetic location: 2p24.1.
Variant type: single nucleotide variant.
Coding change: c.1242G>A on transcript NM_000384.3 (MANE Select); coding-DNA position 1242, G replaced by A.
Protein change: p.Leu414=; no amino-acid change (leucine 414 retained).
Molecular consequence: synonymous variant.
Genome position (GRCh38, 1-based): chr2:21,032,464, C>T on the plus strand (G>A on the coding strand, the complement: APOB is on the minus strand). VCF-style: chr2-21032464-C-T. GRCh37 (hg19) VCF-style: chr2-21255336-C-T.
Identifiers: ClinVar variation 3571444 (VCV003571444.3).